The following is an entry in ClinVar:

NM_015915.5(ATL1):c.1223T>C (p.Met408Thr)

Gene: ATL1 (atlastin GTPase 1; plus strand). Cytogenetic location: 14q22.1.
Variant type: single nucleotide variant.
Coding change: c.1223T>C on transcript NM_015915.5 (MANE Select); coding-DNA position 1223, T replaced by C.
Protein change: p.Met408Thr; replaces methionine 408 with threonine.
Molecular consequence: missense variant.
Genome position (GRCh38, 1-based): chr14:50,628,134, T>C. VCF-style: chr14-50628134-T-C. GRCh37 (hg19) VCF-style: chr14-51094852-T-C.
Other names: c.1223T>C, p.Met408Thr (NM_001127713.1, NM_181598.4); short protein forms M408T.
Identifiers: ClinVar variation 803026 (VCV000803026.14), dbSNP rs1595625113, ClinGen allele CA389675802.

ClinVar aggregate classification (germline): Pathogenic. Review status: criteria provided, multiple submitters, no conflicts (2 of 4 stars). 3 submissions from 3 submitters: Pathogenic (3). Last evaluated 2023-09-27.

Conditions:
Hereditary spastic paraplegia 3A (SPG3A). Also called: SPASTIC PARAPLEGIA 3, AUTOSOMAL DOMINANT; FAMILIAL SPASTIC PARAPLEGIA, AUTOSOMAL DOMINANT, 1; SPG3; STRUMPELL DISEASE; Spastic Paraplegia 3A; Spastic paraplegia 3A, autosomal dominant. Identifiers: Orphanet 100984, MedGen C2931355, MONDO:0008437, OMIM 182600.

Submissions (3):

GeneDx
Classification: Pathogenic. Last evaluated: 2023-09-27. Review status: criteria provided, single submitter. Criteria: GeneDx Variant Classification Process June 2021. Collection method: clinical testing. Allele origin: germline. Affected: yes.
Comment: Published functional studies demonstrate a loss-of-function effect (Montagna et al., 2020); Not observed in large population cohorts (gnomAD); In silico analysis, which includes protein predictors and evolutionary conservation, supports a deleterious effect; This variant is associated with the following publications: (PMID: 33177673, 17502470, 25193411, 19459885, 31236401, 18446315, 33177972)

Labcorp Genetics (formerly Invitae), Labcorp
Classification: Pathogenic for Hereditary spastic paraplegia 3A. Last evaluated: 2020-07-20. Review status: criteria provided, single submitter. Criteria: Invitae Variant Classification Sherloc (09022015). Collection method: clinical testing. Allele origin: germline.
Comment: For these reasons, this variant has been classified as Pathogenic. This sequence change replaces methionine with threonine at codon 408 of the ATL1 protein (p.Met408Thr). The methionine residue is highly conserved and there is a moderate physicochemical difference between methionine and threonine. This variant is not present in population databases (ExAC no frequency). This variant has been observed in individual(s) with hereditary spastic paraplegia (PMID: 17502470). In at least one individual the variant was observed to be de novo. ClinVar contains an entry for this variant (Variation ID: 803026). Advanced modeling of protein sequence and biophysical properties (such as structural, functional, and spatial information, amino acid conservation, physicochemical variation, residue mobility, and thermodynamic stability) performed at Invitae indicates that this missense variant is expected to disrupt ATL1 protein function. This variant disrupts the p.Met408 amino acid residue in ATL1. Other variant(s) that disrupt this residue have been determined to be pathogenic (PMID: 12939451). This suggests that this residue is clinically significant, and that variants that disrupt this residue are likely to be disease-causing.

Mendelics
Classification: Pathogenic for Hereditary spastic paraplegia 3A. Last evaluated: 2019-05-28. Review status: criteria provided, single submitter. Criteria: Mendelics Assertion Criteria 2017. Collection method: clinical testing. Allele origin: unknown.

Literature cited by the submitters: PubMed 17502470 (cited by Labcorp Genetics (formerly Invitae), Labcorp); PubMed 12939451 (cited by Labcorp Genetics (formerly Invitae), Labcorp).